The following is an entry in ClinVar:

NM_000051.4(ATM):c.186-10T>C

Gene: ATM (ATM serine/threonine kinase; plus strand). Cytogenetic location: 11q22.3.
Variant type: single nucleotide variant.
Coding change: c.186-10T>C on transcript NM_000051.4 (MANE Select); 10 bases into the intron before coding-DNA position 186, T replaced by C.
Molecular consequence: intron variant.
Genome position (GRCh38, 1-based): chr11:108,229,168, T>C. VCF-style: chr11-108229168-T-C. GRCh37 (hg19) VCF-style: chr11-108099895-T-C.
Other names: c.186-10T>C (NM_001351834.2, NM_001351835.2, NM_001351836.2).
Identifiers: ClinVar variation 926674 (VCV000926674.8), dbSNP rs773957101, ClinGen allele CA6264533.

ClinVar aggregate classification (germline): Likely benign. Review status: criteria provided, multiple submitters, no conflicts (2 of 4 stars). 3 submissions from 3 submitters: Likely benign (3). Last evaluated 2025-03-19.

Conditions:
Ataxia-telangiectasia syndrome (AT). Also called: Ataxia-telangiectasia, complementation group D; Cerebello-oculocutaneous telangiectasia; Immunodeficiency with ataxia telangiectasia; LOUIS-BAR SYNDROME; Ataxia-telangiectasia; AT, COMPLEMENTATION GROUP C. Identifiers: Orphanet 100, MedGen C0004135, MONDO:0008840, OMIM 208900.
Hereditary cancer-predisposing syndrome. Also called: Tumor predisposition; Hereditary neoplastic syndrome; Neoplastic Syndromes, Hereditary; Hereditary Cancer Syndrome. Identifiers: Orphanet 140162, MedGen C0027672, MeSH D009386, MONDO:0015356.
Familial cancer of breast. Also called: BREAST CANCER, FAMILIAL; hereditary breast carcinoma; Hereditary breast cancer. Identifiers: Orphanet 227535, MedGen C0346153, MONDO:0016419, OMIM 114480. Disease mechanism: loss of function.

Allele frequency attached by ClinVar (database versions not stated): gnomAD exomes below 0.00001; ExAC 0.00001.
gnomAD v4.1: 3 of 1,608,020 alleles (0.00019%); highest among the groups gnomAD compares: Non-Finnish European, 0.00017%; no homozygotes.

Submissions (3):

Labcorp Genetics (formerly Invitae), Labcorp
Classification: Likely benign for Ataxia-telangiectasia syndrome. Last evaluated: 2025-03-19. Review status: criteria provided, single submitter. Criteria: Invitae Variant Classification Sherloc (09022015). Collection method: clinical testing. Allele origin: germline.

Myriad Genetics, Inc.
Classification: Likely benign for Familial cancer of breast. Last evaluated: 2024-04-17. Review status: criteria provided, single submitter. Criteria: Myriad Autosomal Dominant, Autosomal Recessive and X-Linked Classification Criteria (2023). Collection method: clinical testing. Allele origin: unknown.
Comment: This variant is considered likely benign. This variant is intronic and is not expected to impact mRNA splicing.

Color Diagnostics, LLC DBA Color Health
Classification: Likely benign for Hereditary cancer-predisposing syndrome. Last evaluated: 2019-02-26. Review status: criteria provided, single submitter. Criteria: ACMG Guidelines, 2015. Collection method: clinical testing. Allele origin: germline.